The following is an entry in ClinVar:

NM_001394639.1(MROH2A):c.879C>T (p.Asn293=)

Gene: MROH2A (maestro heat like repeat family member 2A; plus strand). Cytogenetic location: 2q37.1.
Variant type: single nucleotide variant.
Coding change: c.879C>T on transcript NM_001394639.1 (MANE Select); coding-DNA position 879, C replaced by T.
Protein change: p.Asn293=; no amino-acid change (asparagine 293 retained).
Molecular consequence: synonymous variant.
Genome position (GRCh38, 1-based): chr2:233,794,419, C>T. VCF-style: chr2-233794419-C-T. GRCh37 (hg19) VCF-style: chr2-234703065-C-T.
Other names: c.879C>T, p.Asn293= (NM_001367507.1).
Identifiers: ClinVar variation 2652024 (VCV002652024.24), dbSNP rs187531871, ClinGen allele CA2180301.
Genomic context (GRCh38, chr2:233,794,419, plus strand): 5'-GCAGGTGAAGCTGGGGGTGATCAAGTCCCTGAAGCCCATGCTCGGCCTCCTTCTGCCCAA[C>T]GATGACCTGCGGGAGCAGGTCTACGACTACATCCCCCTGCTGCTGGCGGAGTACCAGGGC-3'
Protein context (NP_001381568.1, residues 283-303): LKPMLGLLLP[Asn293=]DDLREQVYDY

ClinVar aggregate classification (germline): Likely benign (1 of 4 stars; one submission).

Allele frequency attached by ClinVar (database versions not stated): 1000 Genomes Project 0.00220; ExAC 0.00253; 1000 Genomes Project 30x 0.00281; gnomAD 0.00458; TOPMed 0.00566; gnomAD exomes 0.00652.
gnomAD v4.1: 9,811 of 1,550,478 alleles (0.63%); highest among the groups gnomAD compares: Non-Finnish European, 0.76%; 43 homozygotes.

Submission:

CeGaT Center for Human Genetics Tuebingen
Classification: Likely benign. Last evaluated: 2022-11-01. Review status: criteria provided, single submitter. Criteria: CeGaT Center For Human Genetics Tuebingen Variant Classification Criteria Version 2. Collection method: clinical testing. Allele origin: germline. Affected: yes. Observed: 1 variant allele.
Comment: MROH2A: BP4, BP7